The following is an entry in ClinVar:

ClinVar aggregate classification (germline): Uncertain significance (1 of 4 stars; one submission).

Conditions:
KMT2A-related disorder. Also called: KMT2A-related condition.

Submission:

PreventionGenetics, part of Exact Sciences
Classification: Uncertain significance for KMT2A-related condition. Last evaluated: 2026-04-24. Review status: criteria provided, single submitter. Criteria: ACMG Guidelines, 2015. Collection method: clinical testing. Allele origin: germline.
Comment: The KMT2A c.5212C>G variant is predicted to result in the amino acid substitution p.Gln1738Glu. To our knowledge, this variant has not been reported in the literature or in a large population database (gnomAD), indicating this variant is rare. At this time, the clinical significance of this variant is uncertain due to the absence of conclusive functional and genetic evidence.

NM_001197104.2(KMT2A):c.5212C>G (p.Gln1738Glu)

Gene: KMT2A (lysine methyltransferase 2A; plus strand). Cytogenetic location: 11q23.3.
Variant type: single nucleotide variant.
Coding change: c.5212C>G on transcript NM_001197104.2 (MANE Select); coding-DNA position 5212, C replaced by G.
Protein change: p.Gln1738Glu; replaces glutamine 1738 with glutamic acid.
Molecular consequence: missense variant.
Genome position (GRCh38, 1-based): chr11:118,494,321, C>G. VCF-style: chr11-118494321-C-G. GRCh37 (hg19) VCF-style: chr11-118365036-C-G.
Other names: c.5302C>G, p.Gln1768Glu (NM_001412597.1); c.5203C>G, p.Gln1735Glu (NM_005933.4); short protein forms Q1735E, Q1768E, Q1738E.
Identifiers: ClinVar variation 4993327 (VCV004993327.1).